The following is an entry in ClinVar:

NM_019109.5(ALG1):c.688C>T (p.Gln230Ter)

Gene: ALG1 (ALG1 chitobiosyldiphosphodolichol beta-mannosyltransferase; plus strand). Cytogenetic location: 16p13.3.
Variant type: single nucleotide variant.
Coding change: c.688C>T on transcript NM_019109.5 (MANE Select); coding-DNA position 688, C replaced by T.
Protein change: p.Gln230Ter; replaces glutamine 230 with a stop codon.
Molecular consequence: nonsense.
Genome position (GRCh38, 1-based): chr16:5,077,965, C>T. VCF-style: chr16-5077965-C-T. GRCh37 (hg19) VCF-style: chr16-5127966-C-T.
Other names: c.355C>T, p.Gln119Ter (NM_001330504.2); short protein forms Q230*, Q119*.
Identifiers: ClinVar variation 3657285 (VCV003657285.3).

ClinVar aggregate classification (germline): Pathogenic (1 of 4 stars; one submission).

Conditions:
ALG1-congenital disorder of glycosylation. Also called: CONGENITAL DISORDER OF GLYCOSYLATION, TYPE Ik; CDG Ik; ALG1-CDG. Identifiers: Orphanet 79327, MedGen C2931005, MONDO:0012052, OMIM 608540.

Submission:

Labcorp Genetics (formerly Invitae), Labcorp
Classification: Pathogenic for ALG1-congenital disorder of glycosylation. Last evaluated: 2024-06-21. Review status: criteria provided, single submitter. Criteria: Invitae Variant Classification Sherloc (09022015). Collection method: clinical testing. Allele origin: germline.
Comment: This sequence change creates a premature translational stop signal (p.Gln230*) in the ALG1 gene. It is expected to result in an absent or disrupted protein product. Loss-of-function variants in ALG1 are known to be pathogenic (PMID: 20679665, 23806237). This variant is not present in population databases (gnomAD no frequency). This variant has not been reported in the literature in individuals affected with ALG1-related conditions. For these reasons, this variant has been classified as Pathogenic.

Literature cited by the submitters: PubMed 20679665; PubMed 23806237.